The following is an entry in ClinVar:

NM_207122.2(EXT2):c.1187G>A (p.Trp396Ter)

Gene: EXT2 (exostosin glycosyltransferase 2; plus strand). Cytogenetic location: 11p11.2.
Variant type: single nucleotide variant.
Coding change: c.1187G>A on transcript NM_207122.2 (MANE Select); coding-DNA position 1187, G replaced by A.
Protein change: p.Trp396Ter; replaces tryptophan 396 with a stop codon.
Molecular consequence: nonsense. On other transcripts: intron variant (1).
Genome position (GRCh38, 1-based): chr11:44,171,624, G>A. VCF-style: chr11-44171624-G-A. GRCh37 (hg19) VCF-style: chr11-44193174-G-A.
Other names: c.1286G>A, p.Trp429Ter (NM_000401.3); c.1187G>A, p.Trp396Ter (NM_001389628.1, NM_001389630.1); c.1267-50G>A (NM_001178083.3); short protein forms W429*, W396*.
Identifiers: ClinVar variation 655909 (VCV000655909.9), dbSNP rs750542485, ClinGen allele CA380175074.

ClinVar aggregate classification (germline): Pathogenic (1 of 4 stars; one submission).

Conditions:
Exostoses, multiple, type 2 (EXT2). Also called: Hereditary Multiple Osteochondromatosis, Type II; EXOSTOSES, MULTIPLE, TYPE II. Identifiers: Orphanet 321, MedGen C1851413, MONDO:0007586, OMIM 133701.

Submission:

Labcorp Genetics (formerly Invitae), Labcorp
Classification: Pathogenic for Exostoses, multiple, type 2. Last evaluated: 2018-12-21. Review status: criteria provided, single submitter. Criteria: Invitae Variant Classification Sherloc (09022015). Collection method: clinical testing. Allele origin: germline.
Comment: This sequence change creates a premature translational stop signal (p.Trp396*) in the EXT2 gene. It is expected to result in an absent or disrupted protein product. This variant is not present in population databases (ExAC no frequency). This variant has been observed in an individual affected with multiple osteochondromatosis (PMID: 19810120). A different variant (c.1188G>A) giving rise to the same protein effect observed here (p.Trp396*) has been determined to be pathogenic (PMID: 10480354). This suggests that this variant is also likely to be causative of disease. Loss-of-function variants in EXT2 are known to be pathogenic (PMID: 10679937, 19810120). For these reasons, this variant has been classified as Pathogenic.

Literature cited by the submitters: PubMed 19810120; PubMed 10480354; PubMed 10679937.